The following is an entry in ClinVar:

ClinVar aggregate classification (germline): Uncertain significance. Review status: criteria provided, multiple submitters, no conflicts (2 of 4 stars). 2 submissions from 2 submitters: Uncertain significance (2). Last evaluated 2022-11-30.

Allele frequency attached by ClinVar (database versions not stated): 1000 Genomes Project 30x 0.00016.
gnomAD v4.1: 95 of 1,545,738 alleles (0.0061%); highest among the groups gnomAD compares: Admixed American, 0.0077%; no homozygotes.

Submissions (2):

Ambry Genetics
Classification: Uncertain significance. Last evaluated: 2022-11-30. Review status: criteria provided, single submitter. Criteria: Ambry Variant Classification Scheme 2023. Collection method: clinical testing. Allele origin: germline.

Labcorp Genetics (formerly Invitae), Labcorp
Classification: Uncertain significance. Last evaluated: 2022-09-29. Review status: criteria provided, single submitter. Criteria: Invitae Variant Classification Sherloc (09022015). Collection method: clinical testing. Allele origin: germline.
Comment: This variant is present in population databases (rs147421672, gnomAD 0.01%). This sequence change replaces proline, which is neutral and non-polar, with serine, which is neutral and polar, at codon 192 of the DGKZ protein (p.Pro192Ser). This variant has not been reported in the literature in individuals affected with DGKZ-related conditions. In summary, the available evidence is currently insufficient to determine the role of this variant in disease. Therefore, it has been classified as a Variant of Uncertain Significance. Algorithms developed to predict the effect of missense changes on protein structure and function output the following: SIFT: "Tolerated"; PolyPhen-2: "Benign"; Align-GVGD: "Class C0". The serine amino acid residue is found in multiple mammalian species, which suggests that this missense change does not adversely affect protein function.

NM_001199267.2(DGKZ):c.162-461C>T

Gene: DGKZ (diacylglycerol kinase zeta; plus strand). Cytogenetic location: 11p11.2.
Variant type: single nucleotide variant.
Coding change: c.162-461C>T on transcript NM_001199267.2 (MANE Select); 461 bases into the intron before coding-DNA position 162, C replaced by T.
Molecular consequence: intron variant. On other transcripts: missense variant (1).
Genome position (GRCh38, 1-based): chr11:46,366,830, C>T. VCF-style: chr11-46366830-C-T. GRCh37 (hg19) VCF-style: chr11-46388380-C-T.
Other names: c.574C>T, p.Pro192Ser (NM_001105540.2); c.213-461C>T (NM_201532.3); c.177-461C>T (NM_201533.3); c.162-461C>T (NM_001199266.2, NM_003646.4, NM_001199268.2); short protein forms P192S.
Identifiers: ClinVar variation 2068966 (VCV002068966.5), dbSNP rs147421672, ClinGen allele CA5962187.